The following is an entry in ClinVar:

NM_152594.3(SPRED1):c.1069G>C (p.Asp357His)

Gene: SPRED1 (sprouty related EVH1 domain containing 1; plus strand). Cytogenetic location: 15q14.
Variant type: single nucleotide variant.
Coding change: c.1069G>C on transcript NM_152594.3 (MANE Select); coding-DNA position 1069, G replaced by C.
Protein change: p.Asp357His; replaces aspartic acid 357 with histidine.
Molecular consequence: missense variant.
Genome position (GRCh38, 1-based): chr15:38,351,398, G>C. VCF-style: chr15-38351398-G-C. GRCh37 (hg19) VCF-style: chr15-38643599-G-C.
Other names: short protein forms D357H.
Identifiers: ClinVar variation 4865021 (VCV004865021.1).

ClinVar aggregate classification (germline): Uncertain significance (1 of 4 stars; one submission).

Conditions:
Cardiovascular phenotype. Identifiers: MedGen CN230736.

Submission:

Ambry Genetics
Classification: Uncertain significance for Cardiovascular phenotype. Last evaluated: 2026-04-09. Review status: criteria provided, single submitter. Criteria: Ambry Variant Classification Scheme 2023. Collection method: clinical testing. Allele origin: germline.
Comment: The p.D357H variant (also known as c.1069G>C), located in coding exon 7 of the SPRED1 gene, results from a G to C substitution at nucleotide position 1069. The aspartic acid at codon 357 is replaced by histidine, an amino acid with similar properties. This amino acid position is conserved. In addition, this alteration is predicted to be deleterious by in silico analysis. Based on the available evidence, the clinical significance of this variant remains unclear.